The following is an entry in ClinVar:

ClinVar aggregate classification (germline): Uncertain significance (1 of 4 stars; one submission).

Allele frequency attached by ClinVar (database versions not stated): gnomAD exomes below 0.00001; TOPMed below 0.00001.
gnomAD v4.1: 3 of 1,613,722 alleles (0.00019%); highest among the groups gnomAD compares: Non-Finnish European, 0.00017%; no homozygotes.

Submission:

Institute for Clinical Genetics, University Hospital TU Dresden, University Hospital TU Dresden
Classification: Uncertain significance. Last evaluated: 2023-05-22. Review status: criteria provided, single submitter. Criteria: ACMG Guidelines, 2015. Collection method: clinical testing. Allele origin: paternal.
Comment: PM2_SUP

NM_001382241.1(TNPO2):c.648+3G>A

Gene: TNPO2 (transportin 2; minus strand). Cytogenetic location: 19p13.13.
Variant type: single nucleotide variant.
Coding change: c.648+3G>A on transcript NM_001382241.1 (MANE Select); 3 bases into the intron after coding-DNA position 648, G replaced by A.
Molecular consequence: intron variant.
Genome position (GRCh38, 1-based): chr19:12,715,240, C>T on the plus strand (G>A on the coding strand, the complement: TNPO2 is on the minus strand). VCF-style: chr19-12715240-C-T. GRCh37 (hg19) VCF-style: chr19-12826054-C-T.
Other names: c.648+3G>A (NM_001382237.1, NM_001382240.1, NM_001382238.1 and 7 more transcripts).
Identifiers: ClinVar variation 2576135 (VCV002576135.1), dbSNP rs1223423426, ClinGen allele CA632120454.